The following is an entry in ClinVar:

NM_080473.5(GATA5):c.325G>A (p.Gly109Arg)

Gene: GATA5 (GATA binding protein 5; minus strand). Cytogenetic location: 20q13.33.
Variant type: single nucleotide variant.
Coding change: c.325G>A on transcript NM_080473.5 (MANE Select); coding-DNA position 325, G replaced by A.
Protein change: p.Gly109Arg; replaces glycine 109 with arginine.
Molecular consequence: missense variant.
Genome position (GRCh38, 1-based): chr20:62,475,197, C>T on the plus strand (G>A on the coding strand, the complement: GATA5 is on the minus strand). VCF-style: chr20-62475197-C-T. GRCh37 (hg19) VCF-style: chr20-61050253-C-T.
Other names: short protein forms G109R.
Identifiers: ClinVar variation 2197755 (VCV002197755.4), dbSNP rs1555897007, ClinGen allele CA409556723.

ClinVar aggregate classification (germline): Uncertain significance (1 of 4 stars; one submission).

Allele frequency attached by ClinVar (database versions not stated): TOPMed below 0.00001.
gnomAD v4.1: 24 of 1,258,730 alleles (0.0019%); highest among the groups gnomAD compares: Non-Finnish European, 0.0022%; no homozygotes.

Submission:

Labcorp Genetics (formerly Invitae), Labcorp
Classification: Uncertain significance. Last evaluated: 2025-04-01. Review status: criteria provided, single submitter. Criteria: Invitae Variant Classification Sherloc (09022015). Collection method: clinical testing. Allele origin: germline.
Comment: This sequence change replaces glycine, which is neutral and non-polar, with arginine, which is basic and polar, at codon 109 of the GATA5 protein (p.Gly109Arg). This variant is not present in population databases (gnomAD no frequency). This variant has not been reported in the literature in individuals affected with GATA5-related conditions. ClinVar contains an entry for this variant (Variation ID: 2197755). Invitae Evidence Modeling of protein sequence and biophysical properties (such as structural, functional, and spatial information, amino acid conservation, physicochemical variation, residue mobility, and thermodynamic stability) indicates that this missense variant is not expected to disrupt GATA5 protein function with a negative predictive value of 80%. In summary, the available evidence is currently insufficient to determine the role of this variant in disease. Therefore, it has been classified as a Variant of Uncertain Significance.